The following is an entry in ClinVar:

ClinVar aggregate classification (germline): Pathogenic/Likely pathogenic. Review status: criteria provided, multiple submitters, no conflicts (2 of 4 stars). 2 submissions from 2 submitters: Pathogenic (1); Likely pathogenic (1). Last evaluated 2024-04-20.

Conditions:
Corneal dystrophy-perceptive deafness syndrome (CDPD). Also called: CORNEAL DYSTROPHY AND SENSORINEURAL DEAFNESS; HARBOYAN SYNDROME. Identifiers: Orphanet 1490, MedGen C1857572, MONDO:0009015, OMIM 217400.

Submissions (2):

Natera, Inc.
Classification: Likely pathogenic for Corneal dystrophy-perceptive deafness syndrome. Last evaluated: 2024-04-20. Review status: criteria provided, single submitter. Criteria: Natera Variant Classification Schema (03/2026). Collection method: clinical testing. Allele origin: germline.
Comment: The c.905_906delGA variant in SLC4A11 is a frameshift variant predicted to shift the reading frame beginning at codon 302 and leads to a stop codon 61 codons downstream. This variant is expected to result in nonsense mediated decay, truncation, or a dysfunctional protein product. This variant is rare in the general population with a frequency below the threshold expected for the associated phenotype(s). Given the available evidence, this variant is classified as Likely Pathogenic.

Labcorp Genetics (formerly Invitae), Labcorp
Classification: Pathogenic. Last evaluated: 2023-11-21. Review status: criteria provided, single submitter. Criteria: Invitae Variant Classification Sherloc (09022015). Collection method: clinical testing. Allele origin: germline.
Comment: This sequence change creates a premature translational stop signal (p.Arg302Thrfs*61) in the SLC4A11 gene. It is expected to result in an absent or disrupted protein product. Loss-of-function variants in SLC4A11 are known to be pathogenic (PMID: 17220209, 17679935). This variant is not present in population databases (gnomAD no frequency). This variant has not been reported in the literature in individuals affected with SLC4A11-related conditions. For these reasons, this variant has been classified as Pathogenic.

Literature cited by the submitters: PubMed 17220209 (cited by Labcorp Genetics (formerly Invitae), Labcorp); PubMed 17679935 (cited by Labcorp Genetics (formerly Invitae), Labcorp).

NM_001174089.2(SLC4A11):c.857_858del (p.Arg286fs)

Gene: SLC4A11 (solute carrier family 4 member 11; minus strand). Cytogenetic location: 20p13.
Variant type: Microsatellite.
Coding change: c.857_858del on transcript NM_001174089.2 (MANE Select); coding-DNA positions 857 to 858, 2 bases deleted (GA; older notation c.857_858delGA).
Protein change: p.Arg286fs; shifts the reading frame from arginine 286.
Molecular consequence: frameshift variant. On other transcripts: non-coding transcript variant (3).
Genome position (GRCh38, 1-based): chr20:3,231,420-3,231,421, TC deleted on the plus strand (GA on the coding strand, the reverse complement: SLC4A11 is on the minus strand); deleting any 2 consecutive bases within chr20:3,231,420-3,231,424 gives the same sequence; the c. name uses the placement nearest the transcript's 3' end. VCF-style (leftmost placement, unchanged base first): chr20-3231419-GTC-G. GRCh37 (hg19) VCF-style: chr20-3212065-GTC-G.
Other names: c.986_987del, p.Arg329fs (NM_001174090.2, NM_001400280.1); c.857_858del, p.Arg286fs (NM_001363745.2); c.800_801del, p.Arg267fs (NM_001400277.1, NM_001400278.1, NM_001400279.1); c.905_906del, p.Arg302fs (NM_032034.4); c.905_906delGA (NM_032034.3); short protein forms R267fs, R286fs, R302fs, R329fs.
Identifiers: ClinVar variation 2919349 (VCV002919349.4), dbSNP rs2067773843, ClinGen allele CA2346476606.